The following is an entry in ClinVar:

NM_001710.6(CFB):c.1524C>T (p.His508=)

Gene: CFB (complement factor B; plus strand). Cytogenetic location: 6p21.33.
Variant type: single nucleotide variant.
Coding change: c.1524C>T on transcript NM_001710.6 (MANE Select); coding-DNA position 1524, C replaced by T.
Protein change: p.His508=; no amino-acid change (histidine 508 retained).
Molecular consequence: synonymous variant.
Genome position (GRCh38, 1-based): chr6:31,950,303, C>T. VCF-style: chr6-31950303-C-T. GRCh37 (hg19) VCF-style: chr6-31918080-C-T.
Other names: p.His508=.
Identifiers: ClinVar variation 356290 (VCV000356290.23), dbSNP rs138207668, ClinGen allele CA3728361.

ClinVar aggregate classification (germline): Benign/Likely benign. Review status: criteria provided, multiple submitters, no conflicts (2 of 4 stars). 9 submissions from 9 submitters: Benign (2); Likely benign (4). 3 of the submissions do not count toward it. Last evaluated 2026-01-05.

Conditions:
Atypical hemolytic-uremic syndrome with B factor anomaly. Also called: HEMOLYTIC UREMIC SYNDROME, ATYPICAL, SUSCEPTIBILITY TO, 4; AHUS, SUSCEPTIBILITY TO, 4. Identifiers: Orphanet 2134, MedGen C2752038, MONDO:0013042, OMIM 612924.

Allele frequency attached by ClinVar (database versions not stated): 1000 Genomes Project 0.00180; 1000 Genomes Project 30x 0.00187; ESP Exome Variant Server 0.00201; TOPMed 0.00201.

Submissions (9):

Labcorp Genetics (formerly Invitae), Labcorp
Classification: Benign. Last evaluated: 2026-01-05. Review status: criteria provided, single submitter. Criteria: Invitae Variant Classification Sherloc (09022015). Collection method: clinical testing. Allele origin: germline.

Mayo Clinic Laboratories, Mayo Clinic
Classification: Likely benign. Last evaluated: 2025-02-24. Review status: criteria provided, single submitter. Criteria: ACMG Guidelines, 2015. Collection method: clinical testing. Allele origin: germline. Observed: 23 variant alleles.
Comment: BP4, BP7

Blueprint Genetics
Classification: Likely benign. Last evaluated: 2024-11-17. Review status: criteria provided, single submitter. Criteria: ACMG Guidelines, 2015. Collection method: clinical testing. Allele origin: germline.

Genetic Services Laboratory, University of Chicago
Classification: Likely benign. Last evaluated: 2018-01-31. Review status: criteria provided, single submitter. Criteria: ACMG Guidelines, 2015. Collection method: clinical testing. Allele origin: germline. Affected: no.

Illumina Laboratory Services, Illumina
Classification: Benign for Atypical hemolytic-uremic syndrome with B factor anomaly. Last evaluated: 2018-01-12. Review status: criteria provided, single submitter. Criteria: ICSL Variant Classification Criteria 13 December 2019. Collection method: clinical testing. Allele origin: germline.
Comment: This variant was observed in the ICSL laboratory as part of a predisposition screen in an ostensibly healthy population. It had not been previously curated by ICSL or reported in the Human Gene Mutation Database (HGMD: prior to June 1st, 2018), and was therefore a candidate for classification through an automated scoring system. Utilizing variant allele frequency, disease prevalence and penetrance estimates, and inheritance mode, an automated score was calculated to assess if this variant is too frequent to cause the disease. Based on the score and internal cut-off values, a variant classified as benign is not then subjected to further curation. The score for this variant resulted in a classification of benign for this disease.

Breakthrough Genomics
Classification: Likely benign. Review status: criteria provided, single submitter. Criteria: ACMG Guidelines, 2015. Collection method: not provided. Allele origin: germline. Inheritance: Autosomal recessive inheritance. Affected: yes.

Clinical Genetics DNA and cytogenetics Diagnostics Lab, Erasmus MC, Erasmus Medical Center
Classification: Likely benign. Review status: no assertion criteria provided. Collection method: clinical testing. Allele origin: germline. Affected: yes. Study: VKGL Data-share Consensus. Not counted in ClinVar's aggregate classification.

Genome Diagnostics Laboratory, University Medical Center Utrecht
Classification: Likely benign. Review status: no assertion criteria provided. Collection method: clinical testing. Allele origin: germline. Affected: yes. Study: VKGL Data-share Consensus. Not counted in ClinVar's aggregate classification.

Joint Genome Diagnostic Labs from Nijmegen and Maastricht, Radboudumc and MUMC+
Classification: Likely benign. Review status: no assertion criteria provided. Collection method: clinical testing. Allele origin: germline. Affected: yes. Study: VKGL Data-share Consensus. Not counted in ClinVar's aggregate classification.